The following is an entry in ClinVar:

ClinVar aggregate classification (germline): Benign. Review status: criteria provided, multiple submitters, no conflicts (2 of 4 stars). 6 submissions from 6 submitters: Benign (3). 3 of the submissions do not count toward it. Last evaluated 2025-12-22.

Conditions:
ZEB1-related disorder. Also called: ZEB1-related condition.
Corneal dystrophy, Fuchs endothelial, 6 (FECD6). Identifiers: Orphanet 98974, MedGen C2750448, MONDO:0013206, OMIM 613270.

Allele frequency attached by ClinVar (database versions not stated): gnomAD exomes 0.00144 and 0.00395; ESP Exome Variant Server 0.01676; gnomAD 0.01529 and 0.01629; TOPMed 0.01698; 1000 Genomes Project 0.01717; ExAC 0.00508; 1000 Genomes Project 30x 0.01889.
gnomAD v4.1: 4,528 of 1,613,224 alleles (0.28%); highest among the groups gnomAD compares: African/African-American, 5.2%; 94 homozygotes.

Submissions (6):

Labcorp Genetics (formerly Invitae), Labcorp
Classification: Benign. Last evaluated: 2025-12-22. Review status: criteria provided, single submitter. Criteria: Invitae Variant Classification Sherloc (09022015). Collection method: clinical testing. Allele origin: germline.

Mendelics
Classification: Benign for Corneal dystrophy, Fuchs endothelial, 6. Last evaluated: 2023-12-24. Review status: criteria provided, single submitter. Criteria: Mendelics Assertion Criteria 2017. Collection method: clinical testing. Allele origin: unknown.

H3Africa Consortium
Classification: Benign. Last evaluated: 2020-10-28. Review status: criteria provided, single submitter. Criteria: Choudhury A et al. (Nature 2020). Collection method: research. Allele origin: germline. Inheritance: Autosomal dominant inheritance. Study: H3Africa.
Comment: While the frequency of the alternate allele in gnoMAD v2.0.2 is 0.083, its frequency in African populations is >5%. This suggests that previous classifications of this variant as pathogenic are in error.

PreventionGenetics, part of Exact Sciences
Classification: Likely benign for ZEB1-related condition. Last evaluated: 2022-05-25. Review status: no assertion criteria provided. Collection method: clinical testing. Allele origin: germline. Not counted in ClinVar's aggregate classification.
Comment: This variant is classified as likely benign based on ACMG/AMP sequence variant interpretation guidelines (Richards et al. 2015 PMID: 25741868, with internal and published modifications).

Reproductive Health Research and Development, BGI Genomics
Classification: Benign for Corneal dystrophy, Fuchs endothelial, 6. Last evaluated: 2020-01-06. Review status: no assertion criteria provided. Collection method: curation. Allele origin: germline. Not counted in ClinVar's aggregate classification.
Comment: The ZEB1 gene is known as TCF8 in the published literature (PMID: 20036349). TCF8NM_030751.5:c.233A>C in the ZEB1 gene has an allele frequency of 0.052 in African subpopulation in the gnomAD database. 30 homozygous occurrences are observed in the gnomAD database. Since the Fuchs Corneal Dystrophy was reported as Late-Onset, we determined to not apply the number of homozygousity as a strong benign evidence. In addition, Riazuddin et al. reported a patient with Late-Onset Fuchs Corneal Dystrophy barboring p.N78T (PMID: 20036349). These evidence suggest the variant to be classified as benign. ACMG/AMP criteria applied: BA1.

OMIM
Classification: Pathogenic for CORNEAL DYSTROPHY, FUCHS ENDOTHELIAL, 6. Last evaluated: 2010-01-01. Review status: no assertion criteria provided. Collection method: literature only. Allele origin: germline. Not counted in ClinVar's aggregate classification.

Literature cited by the submitters: PubMed 20036349 (cited by OMIM).

NM_001174096.2(ZEB1):c.233A>C (p.Asn78Thr)

Gene: ZEB1 (zinc finger E-box binding homeobox 1; plus strand). Cytogenetic location: 10p11.22.
Variant type: single nucleotide variant.
Coding change: c.233A>C on transcript NM_001174096.2 (MANE Select); coding-DNA position 233, A replaced by C.
Protein change: p.Asn78Thr; replaces asparagine 78 with threonine.
Molecular consequence: missense variant. On other transcripts: 5 prime UTR variant (28), intron variant (3).
Genome position (GRCh38, 1-based): chr10:31,461,211, A>C. VCF-style: chr10-31461211-A-C. GRCh37 (hg19) VCF-style: chr10-31750140-A-C.
Other names: c.182A>C, p.Asn61Thr (NM_001128128.3, NM_001174094.2, NM_001323678.2); c.233A>C, p.Asn78Thr (NM_001174093.2, NM_001323674.2, NM_030751.6); c.-425A>C (NM_001323638.2, NM_001323642.2, NM_001323643.2 and 10 more transcripts); c.-422A>C (NM_001323641.2, NM_001323645.2, NM_001323647.2 and 10 more transcripts); c.-362A>C (NM_001323648.2, NM_001323666.2); c.-389-34568A>C (NM_001323658.2); c.191A>C, p.Asn64Thr (NM_001323675.2, NM_001323676.2, NM_001323677.2); c.-395-34568A>C (NM_001323644.2); and 1 more; short protein forms N78T, N61T, N64T.
Identifiers: ClinVar variation 12633 (VCV000012633.13), dbSNP rs80194531, ClinGen allele CA122595.